The following is an entry in ClinVar:

NM_001042492.3(NF1):c.3182T>C (p.Val1061Ala)

Gene: NF1 (neurofibromin 1; plus strand). Cytogenetic location: 17q11.2.
Variant type: single nucleotide variant.
Coding change: c.3182T>C on transcript NM_001042492.3 (MANE Select); coding-DNA position 3182, T replaced by C.
Protein change: p.Val1061Ala; replaces valine 1061 with alanine.
Molecular consequence: missense variant.
Genome position (GRCh38, 1-based): chr17:31,230,910, T>C. VCF-style: chr17-31230910-T-C. GRCh37 (hg19) VCF-style: chr17-29557928-T-C.
Other names: c.3182T>C, p.Val1061Ala (NM_000267.4); short protein forms V1061A.
Identifiers: ClinVar variation 2901409 (VCV002901409.3), dbSNP rs2508213668, ClinGen allele CA398988249.
Genomic context (GRCh38, chr17:31,230,910, plus strand): 5'-TGGTAGAATACCTGACAGACTGGGTTATGGGAACATCAAACCAAGCAGCAGATGATGATG[T>C]AAAATGTCTTACAAGGTAAAAAAAGAATGACCTTCAAGTATTAGTGGGTTTTACTGTGAG-3'
Protein context (NP_001035957.1, residues 1051-1071): GTSNQAADDD[Val1061Ala]KCLTRDLDQA

ClinVar aggregate classification (germline): Uncertain significance (1 of 4 stars; one submission).

Conditions:
Neurofibromatosis, type 1 (NF1). Also called: VON RECKLINGHAUSEN DISEASE; NEUROFIBROMATOSIS, TYPE I, SOMATIC; Peripheral type neurofibromatosis; Neurofibromatosis, type I. Identifiers: Orphanet 636, MedGen C0027831, MONDO:0018975, OMIM 162200. Disease mechanism: loss of function.

Submission:

Labcorp Genetics (formerly Invitae), Labcorp
Classification: Uncertain significance for Neurofibromatosis, type 1. Last evaluated: 2023-04-12. Review status: criteria provided, single submitter. Criteria: Invitae Variant Classification Sherloc (09022015). Collection method: clinical testing. Allele origin: germline.
Comment: In summary, the available evidence is currently insufficient to determine the role of this variant in disease. Therefore, it has been classified as a Variant of Uncertain Significance. Advanced modeling of protein sequence and biophysical properties (such as structural, functional, and spatial information, amino acid conservation, physicochemical variation, residue mobility, and thermodynamic stability) performed at Invitae indicates that this missense variant is not expected to disrupt NF1 protein function. This variant has not been reported in the literature in individuals affected with NF1-related conditions. This variant is not present in population databases (gnomAD no frequency). This sequence change replaces valine, which is neutral and non-polar, with alanine, which is neutral and non-polar, at codon 1061 of the NF1 protein (p.Val1061Ala).